The following is an entry in ClinVar:

ClinVar aggregate classification (germline): Likely benign. Review status: criteria provided, multiple submitters, no conflicts (2 of 4 stars). 2 submissions from 2 submitters: Likely benign (2). Last evaluated 2025-12-07.

Conditions:
Joubert syndrome. Also called: JOUBERT-BOLTSHAUSER SYNDROME; Familial aplasia of the vermis. Identifiers: Orphanet 475, MedGen C5979921, MONDO:0018772.
AHI1-related disorder. Also called: AHI1-related condition.

Allele frequency attached by ClinVar (database versions not stated): gnomAD exomes below 0.00001 and 0.00001; ExAC 0.00002; gnomAD 0.00004 and 0.00005; TOPMed 0.00006.
gnomAD v4.1: 9 of 1,611,260 alleles (0.00056%); highest among the groups gnomAD compares: African/African-American, 0.011%; no homozygotes.

Submissions (2):

PreventionGenetics, part of Exact Sciences
Classification: Likely benign for AHI1-related condition. Last evaluated: 2025-12-07. Review status: criteria provided, single submitter. Criteria: ACMG Guidelines, 2015. Collection method: clinical testing. Allele origin: germline.
Comment: This variant is classified as likely benign based on ACMG/AMP sequence variant interpretation guidelines (Richards et al. 2015 PMID: 25741868, with internal and published modifications).

Labcorp Genetics (formerly Invitae), Labcorp
Classification: Likely benign for Joubert syndrome. Last evaluated: 2025-06-12. Review status: criteria provided, single submitter. Criteria: Invitae Variant Classification Sherloc (09022015). Collection method: clinical testing. Allele origin: germline.

NM_001134831.2(AHI1):c.1566A>G (p.Pro522=)

Gene: AHI1 (Abelson helper integration site 1; minus strand). Cytogenetic location: 6q23.3.
Variant type: single nucleotide variant.
Coding change: c.1566A>G on transcript NM_001134831.2 (MANE Select); coding-DNA position 1566, A replaced by G.
Protein change: p.Pro522=; no amino-acid change (proline 522 retained).
Molecular consequence: synonymous variant.
Genome position (GRCh38, 1-based): chr6:135,448,350, T>C on the plus strand (A>G on the coding strand, the complement: AHI1 is on the minus strand). VCF-style: chr6-135448350-T-C. GRCh37 (hg19) VCF-style: chr6-135769488-T-C.
Other names: c.1566A>G, p.Pro522= (NM_001134830.2, NM_001134832.2, NM_001350503.2 and 2 more transcripts); c.1566A>G (NM_017651.4).
Identifiers: ClinVar variation 1096433 (VCV001096433.10), dbSNP rs765975049, ClinGen allele CA4012566.
Genomic context (GRCh38, chr6:135,448,350, plus strand): 5'-ACAGTCTGGAACTTTCAGTCCTCTTACAGTTACGTACAGTGTTGATGGGTAATGATTTCT[T>C]GGACATTTTGACCACCATTCAAATGCCTCAACAACACTTAATGGGGATCGAGGCTTAGTA-3'
Protein context (NP_001128303.1, residues 512-532): VEAFEWWSKC[Pro522=]RNHYPSTLYV